The following is an entry in ClinVar:

ClinVar aggregate classification (germline): Pathogenic. Review status: criteria provided, single submitter (1 of 4 stars). 2 submissions from 2 submitters: Pathogenic (1). 1 of the submissions does not count toward it. Last evaluated 2026-01-26.

Conditions:
Charcot-Marie-Tooth disease axonal type 2T. Identifiers: Orphanet 443950, MedGen C4015635, OMIM 617017, MONDO:0014866.

Submissions (2):

Labcorp Genetics (formerly Invitae), Labcorp
Classification: Pathogenic. Last evaluated: 2026-01-26. Review status: criteria provided, single submitter. Criteria: Invitae Variant Classification Sherloc (09022015). Collection method: clinical testing. Allele origin: germline.
Comment: This sequence change creates a premature translational stop signal (p.Trp24*) in the MME gene. It is expected to result in an absent or disrupted protein product. Loss-of-function variants in MME are known to be pathogenic (PMID: 26991897). This variant is not present in population databases (gnomAD no frequency). This premature translational stop signal has been observed in individual(s) with clinical features of MME-related conditions (PMID: 27588448, 30415211). ClinVar contains an entry for this variant (Variation ID: 265743). For these reasons, this variant has been classified as Pathogenic.

OMIM
Classification: risk factor for CHARCOT-MARIE-TOOTH DISEASE, AXONAL, TYPE 2T, SUSCEPTIBILITY TO. Last evaluated: 2016-10-06. Review status: no assertion criteria provided. Collection method: literature only. Allele origin: germline. Not counted in ClinVar's aggregate classification.

Literature cited by the submitters: PubMed 26991897 (cited by Labcorp Genetics (formerly Invitae), Labcorp); PubMed 27588448 (cited by Labcorp Genetics (formerly Invitae), Labcorp and OMIM); PubMed 30415211 (cited by Labcorp Genetics (formerly Invitae), Labcorp).

NM_007289.4(MME):c.71G>A (p.Trp24Ter)

Gene: MME (membrane metalloendopeptidase; plus strand). Cytogenetic location: 3q25.2.
Variant type: single nucleotide variant.
Coding change: c.71G>A on transcript NM_007289.4 (MANE Select); coding-DNA position 71, G replaced by A.
Protein change: p.Trp24Ter; replaces tryptophan 24 with a stop codon.
Molecular consequence: nonsense.
Genome position (GRCh38, 1-based): chr3:155,084,238, G>A. VCF-style: chr3-155084238-G-A. GRCh37 (hg19) VCF-style: chr3-154802027-G-A.
Other names: c.71G>A, p.Trp24Ter (NM_000902.5, NM_001354642.2, NM_001354643.1 and 3 more transcripts); short protein forms W24*.
Identifiers: ClinVar variation 265743 (VCV000265743.4), dbSNP rs886039755, ClinGen allele CA10588803.